The following is an entry in ClinVar:

NM_000350.3(ABCA4):c.4909G>A (p.Ala1637Thr)

Genes: ABCA4 (ATP binding cassette subfamily A member 4; minus strand), LOC126805793 (CDK7 strongly-dependent group 2 enhancer GRCh37_chr1:94486302-94487501; plus strand). Cytogenetic location: 1p22.1.
Variant type: single nucleotide variant.
Coding change: c.4909G>A on transcript NM_000350.3 (MANE Select); coding-DNA position 4909, G replaced by A.
Protein change: p.Ala1637Thr; replaces alanine 1637 with threonine.
Molecular consequence: missense variant.
Genome position (GRCh38, 1-based): chr1:94,021,349, C>T on the plus strand (G>A on the coding strand, the complement: ABCA4 is on the minus strand). VCF-style: chr1-94021349-C-T. GRCh37 (hg19) VCF-style: chr1-94486905-C-T.
Other names: c.4687G>A, p.Ala1563Thr (NM_001425324.1); short protein forms A1637T, A1563T.
Identifiers: ClinVar variation 99329 (VCV000099329.23), dbSNP rs61754056, ClinGen allele CA227251.

ClinVar aggregate classification (germline): Conflicting classifications of pathogenicity. Review status: criteria provided, conflicting classifications (1 of 4 stars). 7 submissions from 7 submitters: Likely pathogenic (1); Uncertain significance (5). 1 of the submissions does not count toward it. Last evaluated 2026-09-15.

Conditions:
ABCA4-related disorder. Also called: ABCA4-related condition; ABCA4-related disorders. Identifiers: MedGen CN239167.
Retinal dystrophy. Also called: Inherited retinal dystrophy. Identifiers: Orphanet 71862, MedGen C0854723, MeSH D058499, MONDO:0019118, HP:0000556.
Age related macular degeneration 2. Also called: MACULAR DEGENERATION, SENILE; MACULOPATHY, AGE-RELATED, 2; MACULOPATHY, AGE-RELATED. Identifiers: MedGen C3495438, MONDO:0007932, OMIM 153800.

Allele frequency attached by ClinVar (database versions not stated): TOPMed 0.00006; gnomAD 0.00007 and 0.00008; ExAC 0.00008; ESP Exome Variant Server 0.00008; gnomAD exomes 0.00010.
gnomAD v4.1: 228 of 1,614,032 alleles (0.014%); highest among the groups gnomAD compares: Non-Finnish European, 0.018%; no homozygotes.

Submissions (7):

PreventionGenetics, part of Exact Sciences
Classification: Uncertain significance for ABCA4-related condition. Last evaluated: 2026-09-15. Review status: criteria provided, single submitter. Criteria: ACMG Guidelines, 2015. Collection method: clinical testing. Allele origin: germline.
Comment: The ABCA4 c.4909G>A variant is predicted to result in the amino acid substitution p.Ala1637Thr. This variant has been reported in individuals with Stargardt disease; however, there was no information about a second variant in ABCA4 (Table 1, Webster et al. 2001. PubMed ID: 11328725; Table S4, Thiadens et al. 2012. PubMed ID: 22264887). This variant has also been reported in an individual with Stargardt disease who was compound heterozygous for two loss of function variants in ABCA4, suggesting that the c.4909G>A variant is less likely to be pathogenic (Briggs et al. 2001. PubMed ID: 11527935). This variant is reported in 0.017% of alleles in individuals of European (non-Finnish) descent in gnomAD. Although we suspect that this variant may be benign, at this time, the clinical significance of this variant is uncertain due to the absence of conclusive functional and genetic evidence.

Labcorp Genetics (formerly Invitae), Labcorp
Classification: Likely pathogenic. Last evaluated: 2026-01-07. Review status: criteria provided, single submitter. Criteria: Invitae Variant Classification Sherloc (09022015). Collection method: clinical testing. Allele origin: germline.
Comment: This sequence change replaces alanine, which is neutral and non-polar, with threonine, which is neutral and polar, at codon 1637 of the ABCA4 protein (p.Ala1637Thr). This variant is present in population databases (rs61754056, gnomAD 0.02%). This missense change has been observed in individual(s) with cone-rod dystrophy and/or Stargardt disease (PMID: 11328725, 22264887, 32307445; internal data). ClinVar contains an entry for this variant (Variation ID: 99329). Invitae Evidence Modeling of protein sequence and biophysical properties (such as structural, functional, and spatial information, amino acid conservation, physicochemical variation, residue mobility, and thermodynamic stability) indicates that this missense variant is expected to disrupt ABCA4 protein function with a positive predictive value of 95%. In summary, the currently available evidence indicates that the variant is pathogenic, but additional data are needed to prove that conclusively. Therefore, this variant has been classified as Likely Pathogenic.

GeneDx
Classification: Uncertain significance. Last evaluated: 2026-01-06. Review status: criteria provided, single submitter. Criteria: GeneDx Variant Classification Process June 2021. Collection method: clinical testing. Allele origin: germline. Affected: yes.
Comment: Identified in an individual with cone rod dystrophy who also had two additional loss-of-function variants in ABCA4, although parental studies were not performed to determine the phase of these three variants (PMID: 11527935); Identified in an individual with Stargardt disease and an individual with cone-rod dystrophy, however, it is unknown if these individuals had an additional ABCA4 variant (PMID: 11328725, 22264887); In silico analysis supports that this missense variant has a deleterious effect on protein structure/function; This variant is associated with the following publications: (PMID: 22264887, 34426522, 32307445, 31964843, 11527935, 11328725)

Blueprint Genetics
Classification: Uncertain significance. Last evaluated: 2024-01-12. Review status: criteria provided, single submitter. Criteria: ACMG Guidelines, 2015. Collection method: clinical testing. Allele origin: germline.

Institute of Human Genetics, Univ. Regensburg, Univ. Regensburg
Classification: Uncertain significance for Retinal dystrophy. Last evaluated: 2019-01-01. Review status: criteria provided, single submitter. Criteria: ACMG Guidelines, 2015. Collection method: clinical testing. Allele origin: germline. Affected: yes.

Centre for Mendelian Genomics, University Medical Centre Ljubljana
Classification: Uncertain significance for Age related macular degeneration 2. Last evaluated: 2018-11-13. Review status: criteria provided, single submitter. Criteria: ACMG Guidelines, 2015. Collection method: clinical testing. Allele origin: unknown. Affected: yes.
Comment: This variant was classified as: Uncertain significance. The available evidence on this variant's pathogenicity is insufficient or conflicting. The following ACMG criteria were applied in classifying this variant: PP3,PM2.

Retina International
No classification provided. Review status: no classification provided. Collection method: not provided. Allele origin: not provided. Not counted in ClinVar's aggregate classification.

Literature cited by the submitters: PubMed 11328725 (cited by Labcorp Genetics (formerly Invitae), Labcorp and Institute of Human Genetics, Univ. Regensburg, Univ. Regensburg); PubMed 22264887 (cited by Labcorp Genetics (formerly Invitae), Labcorp and Institute of Human Genetics, Univ. Regensburg, Univ. Regensburg); PubMed 32307445 (cited by Labcorp Genetics (formerly Invitae), Labcorp and Institute of Human Genetics, Univ. Regensburg, Univ. Regensburg); PubMed 11527935 (cited by Institute of Human Genetics, Univ. Regensburg, Univ. Regensburg); PubMed 31964843 (cited by Institute of Human Genetics, Univ. Regensburg, Univ. Regensburg); PubMed 34426522 (cited by Institute of Human Genetics, Univ. Regensburg, Univ. Regensburg).